The following is an entry in ClinVar:

ClinVar aggregate classification (germline): Uncertain significance (1 of 4 stars; one submission).

Allele frequency attached by ClinVar (database versions not stated): gnomAD exomes below 0.00001; TOPMed 0.00002.
gnomAD v4.1: 1 of 1,614,140 alleles (0.000062%); highest among the groups gnomAD compares: Non-Finnish European, 0.000085%; no homozygotes.

Submission:

Labcorp Genetics (formerly Invitae), Labcorp
Classification: Uncertain significance. Last evaluated: 2025-10-29. Review status: criteria provided, single submitter. Criteria: Invitae Variant Classification Sherloc (09022015). Collection method: clinical testing. Allele origin: germline.
Comment: This sequence change replaces proline, which is neutral and non-polar, with serine, which is neutral and polar, at codon 322 of the DUOX2 protein (p.Pro322Ser). This variant is present in population databases (no rsID available, gnomAD 0.0009%). This variant has not been reported in the literature in individuals affected with DUOX2-related conditions. ClinVar contains an entry for this variant (Variation ID: 1450599). Invitae Evidence Modeling of protein sequence and biophysical properties (such as structural, functional, and spatial information, amino acid conservation, physicochemical variation, residue mobility, and thermodynamic stability) indicates that this missense variant is not expected to disrupt DUOX2 protein function with a negative predictive value of 80%. In summary, the available evidence is currently insufficient to determine the role of this variant in disease. Therefore, it has been classified as a Variant of Uncertain Significance.

NM_001363711.2(DUOX2):c.964C>T (p.Pro322Ser)

Gene: DUOX2 (dual oxidase 2; minus strand). Cytogenetic location: 15q21.1.
Variant type: single nucleotide variant.
Coding change: c.964C>T on transcript NM_001363711.2 (MANE Select); coding-DNA position 964, C replaced by T.
Protein change: p.Pro322Ser; replaces proline 322 with serine.
Molecular consequence: missense variant.
Genome position (GRCh38, 1-based): chr15:45,110,504, G>A on the plus strand (C>T on the coding strand, the complement: DUOX2 is on the minus strand). VCF-style: chr15-45110504-G-A. GRCh37 (hg19) VCF-style: chr15-45402702-G-A.
Other names: c.964C>T, p.Pro322Ser (NM_014080.5); short protein forms P322S.
Identifiers: ClinVar variation 1450599 (VCV001450599.8), dbSNP rs910326149, ClinGen allele CA392278156.